The following is an entry in ClinVar:

NM_000293.3(PHKB):c.914T>C (p.Phe305Ser)

Gene: PHKB (phosphorylase kinase regulatory subunit beta; plus strand). Cytogenetic location: 16q12.1.
Variant type: single nucleotide variant.
Coding change: c.914T>C on transcript NM_000293.3 (MANE Select); coding-DNA position 914, T replaced by C.
Protein change: p.Phe305Ser; replaces phenylalanine 305 with serine.
Molecular consequence: missense variant.
Genome position (GRCh38, 1-based): chr16:47,588,948, T>C. VCF-style: chr16-47588948-T-C. GRCh37 (hg19) VCF-style: chr16-47622859-T-C.
Other names: c.893T>C, p.Phe298Ser (NM_001031835.3); c.914T>C, p.Phe305Ser (NM_001363837.1); short protein forms F305S, F298S.
Identifiers: ClinVar variation 461822 (VCV000461822.6), dbSNP rs746454503, ClinGen allele CA8040657.
Genomic context (GRCh38, chr16:47,588,948, plus strand): 5'-TTTCTCATTGCCTCCAGAATACAGATGCTGCCCTGCTCCCCTGCATCAGTTATCCTGCAT[T>C]TGCCCTGGATGATGAAGTTCTTTTTAGCCAGACACTTGATAAAGTGGTTAGAAAATTAAA-3'
Protein context (NP_000284.1, residues 295-315): ALLPCISYPA[Phe305Ser]ALDDEVLFSQ

ClinVar aggregate classification (germline): Uncertain significance (1 of 4 stars; one submission).

Conditions:
Glycogen storage disease IXb (GSD9B). Also called: GLYCOGENOSIS OF LIVER AND MUSCLE, AUTOSOMAL RECESSIVE; GSD IXb; PHOSPHORYLASE KINASE DEFICIENCY OF LIVER AND MUSCLE, AUTOSOMAL RECESSIVE. Identifiers: Orphanet 79240, MedGen C0543514, MONDO:0009868, OMIM 261750.

Allele frequency attached by ClinVar (database versions not stated): ExAC 0.00001; gnomAD 0.00001 and 0.00002; TOPMed 0.00001; gnomAD exomes 0.00002 and 0.00003.
gnomAD v4.1: 42 of 1,613,924 alleles (0.0026%); highest among the groups gnomAD compares: Non-Finnish European, 0.0036%; no homozygotes.

Submission:

Labcorp Genetics (formerly Invitae), Labcorp
Classification: Uncertain significance for Glycogen storage disease IXb. Last evaluated: 2021-08-27. Review status: criteria provided, single submitter. Criteria: Invitae Variant Classification Sherloc (09022015). Collection method: clinical testing. Allele origin: germline.
Comment: This sequence change replaces phenylalanine with serine at codon 305 of the PHKB protein (p.Phe305Ser). The phenylalanine residue is highly conserved and there is a large physicochemical difference between phenylalanine and serine. This variant is present in population databases (rs746454503, ExAC 0.001%). This variant has not been reported in the literature in individuals affected with PHKB-related conditions. Algorithms developed to predict the effect of missense changes on protein structure and function (SIFT, PolyPhen-2, Align-GVGD) all suggest that this variant is likely to be disruptive. In summary, the available evidence is currently insufficient to determine the role of this variant in disease. Therefore, it has been classified as a Variant of Uncertain Significance.